The following is an entry in ClinVar:

NM_001166108.2(PALLD):c.3166_3167delinsTG (p.Pro1056Cys)

Genes: CBR4 (carbonyl reductase 4; minus strand), PALLD (palladin, cytoskeletal associated protein; plus strand). Cytogenetic location: 4q32.3.
Variant type: Indel.
Coding change: c.3166_3167delinsTG on transcript NM_001166108.2 (MANE Select); coding-DNA positions 3166 to 3167, CC replaced by TG.
Protein change: p.Pro1056Cys; replaces proline 1056 with cysteine.
Molecular consequence: missense variant.
Genome position (GRCh38, 1-based): chr4:168,924,362-168,924,363, CC replaced by TG. VCF-style: chr4-168924362-CC-TG. GRCh37 (hg19) VCF-style: chr4-169845513-CC-TG.
Other names: c.1045_1046delinsTG, p.Pro349Cys (NM_001367568.1, NM_001367570.1); c.994_995delinsTG, p.Pro332Cys (NM_001367569.1, NM_001367567.1); c.3115_3116delinsTG, p.Pro1039Cys (NM_016081.4); c.1969_1970delinsTG, p.Pro657Cys (NM_001166109.2); c.1654_1655delinsTG, p.Pro552Cys (NM_001166110.2); short protein forms P1039C, P332C, P349C, P552C, P657C, P1056C.
Identifiers: ClinVar variation 5026241 (VCV005026241.1).

ClinVar aggregate classification (germline): Uncertain significance (1 of 4 stars; one submission).

Submission:

Ambry Genetics
Classification: Uncertain significance. Last evaluated: 2026-08-31. Review status: criteria provided, single submitter. Criteria: Ambry Variant Classification Scheme 2023. Collection method: clinical testing. Allele origin: germline.
Comment: The c.1654_1655delCCinsTG variant (also known as p.P552C), located in coding exon 9 of the PALLD gene, results from an in-frame deletion of CC and insertion of TG at nucleotide positions 1654 to 1655. This results in the substitution of the proline residue for a cysteine residue at codon 552, an amino acid with highly dissimilar properties. This amino acid position is highly conserved in available vertebrate species. In addition, this variant is predicted to be deleterious by in silico analysis (Choi Y et al. PLoS ONE. 2012; 7(10):e46688). The evidence for this gene-disease relationship is limited; therefore, the clinical significance of this variant is unclear.